The following is an entry in ClinVar:

NM_019109.5(ALG1):c.739del (p.Arg247fs)

Gene: ALG1 (ALG1 chitobiosyldiphosphodolichol beta-mannosyltransferase; plus strand). Cytogenetic location: 16p13.3.
Variant type: Deletion.
Coding change: c.739del on transcript NM_019109.5 (MANE Select); coding-DNA position 739, one base deleted (C; older notation c.739delC).
Protein change: p.Arg247fs; shifts the reading frame from arginine 247.
Molecular consequence: frameshift variant.
Genome position (GRCh38, 1-based): chr16:5,078,016, C deleted; the last of 3 consecutive C bases (chr16:5,078,014-5,078,016); deleting any one gives the same sequence. VCF-style (leftmost placement, unchanged base first): chr16-5078013-GC-G. GRCh37 (hg19) VCF-style: chr16-5128014-GC-G.
Other names: c.406del, p.Arg136fs (NM_001330504.2); short protein forms R247fs, R136fs.
Identifiers: ClinVar variation 2861187 (VCV002861187.3), dbSNP rs2505860286, ClinGen allele CA2739266547.

ClinVar aggregate classification (germline): Pathogenic (1 of 4 stars; one submission).

Conditions:
ALG1-congenital disorder of glycosylation. Also called: CONGENITAL DISORDER OF GLYCOSYLATION, TYPE Ik; CDG Ik; ALG1-CDG. Identifiers: Orphanet 79327, MedGen C2931005, MONDO:0012052, OMIM 608540.

Submission:

Labcorp Genetics (formerly Invitae), Labcorp
Classification: Pathogenic for ALG1-congenital disorder of glycosylation. Last evaluated: 2023-05-01. Review status: criteria provided, single submitter. Criteria: Invitae Variant Classification Sherloc (09022015). Collection method: clinical testing. Allele origin: germline.
Comment: This variant is not present in population databases (gnomAD no frequency). For these reasons, this variant has been classified as Pathogenic. This variant has not been reported in the literature in individuals affected with ALG1-related conditions. This sequence change creates a premature translational stop signal (p.Arg247Alafs*24) in the ALG1 gene. It is expected to result in an absent or disrupted protein product. Loss-of-function variants in ALG1 are known to be pathogenic (PMID: 20679665, 23806237).

Literature cited by the submitters: PubMed 20679665; PubMed 23806237.